The following is an entry in ClinVar:

ClinVar aggregate classification (germline): Likely benign (1 of 4 stars; one submission).

Submission:

CeGaT Center for Human Genetics Tuebingen
Classification: Likely benign. Last evaluated: 2024-05-01. Review status: criteria provided, single submitter. Criteria: CeGaT Center For Human Genetics Tuebingen Variant Classification Criteria Version 2. Collection method: clinical testing. Allele origin: germline. Affected: yes. Observed: 1 variant allele.
Comment: MSH6: PM2:Supporting, BP4, BP7

NM_000179.3(MSH6):c.1083C>T (p.Arg361=)

Gene: MSH6 (mutS homolog 6; plus strand). Cytogenetic location: 2p16.3.
Variant type: single nucleotide variant.
Coding change: c.1083C>T on transcript NM_000179.3 (MANE Select); coding-DNA position 1083, C replaced by T.
Protein change: p.Arg361=; no amino-acid change (arginine 361 retained).
Molecular consequence: synonymous variant. On other transcripts: non-coding transcript variant (4), intron variant (1).
Genome position (GRCh38, 1-based): chr2:47,799,066, C>T. VCF-style: chr2-47799066-C-T. GRCh37 (hg19) VCF-style: chr2-48026205-C-T.
Other names: c.693C>T, p.Arg231= (NM_001281492.2); c.177C>T, p.Arg59= (NM_001281493.2, NM_001281494.2, NM_001406811.1 and 6 more transcripts); c.1179C>T, p.Arg393= (NM_001406795.1, NM_001406802.1); c.1083C>T, p.Arg361= (NM_001406796.1, NM_001406798.1, NM_001406800.1 and 4 more transcripts); c.786C>T, p.Arg262= (NM_001406797.1, NM_001406801.1, NM_001406805.1 and 10 more transcripts); c.558C>T, p.Arg186= (NM_001406799.1, NM_001406806.1, NM_001406807.1); c.1005C>T, p.Arg335= (NM_001406804.1); c.1089C>T, p.Arg363= (NM_001406813.1); and 2 more.
Identifiers: ClinVar variation 3239388 (VCV003239388.19), dbSNP rs2104318436.